The following is an entry in ClinVar:

ClinVar aggregate classification (germline): Conflicting classifications of pathogenicity. Review status: criteria provided, conflicting classifications (1 of 4 stars). 2 submissions from 2 submitters: Uncertain significance (1); Likely benign (1). Last evaluated 2026-02-09.

Conditions:
Hereditary cancer-predisposing syndrome. Also called: Tumor predisposition; Hereditary Cancer Syndrome; Hereditary neoplastic syndrome; Neoplastic Syndromes, Hereditary. Identifiers: Orphanet 140162, MedGen C0027672, MeSH D009386, MONDO:0015356.
Tuberous sclerosis 2 (TSC2). Identifiers: Orphanet 805, MedGen C1860707, MONDO:0013199, OMIM 613254.

Submissions (2):

Ambry Genetics
Classification: Likely benign for Hereditary cancer-predisposing syndrome. Last evaluated: 2026-02-09. Review status: criteria provided, single submitter. Criteria: Ambry Variant Classification Scheme 2023. Collection method: clinical testing. Allele origin: germline.

Labcorp Genetics (formerly Invitae), Labcorp
Classification: Uncertain significance for Tuberous sclerosis 2. Last evaluated: 2023-11-14. Review status: criteria provided, single submitter. Criteria: Invitae Variant Classification Sherloc (09022015). Collection method: clinical testing. Allele origin: germline.
Comment: This sequence change falls in intron 24 of the TSC2 gene. It does not directly change the encoded amino acid sequence of the TSC2 protein. It affects a nucleotide within the consensus splice site. This variant is not present in population databases (gnomAD no frequency). This variant has not been reported in the literature in individuals affected with TSC2-related conditions. ClinVar contains an entry for this variant (Variation ID: 1795450). Variants that disrupt the consensus splice site are a relatively common cause of aberrant splicing (PMID: 17576681, 9536098). Algorithms developed to predict the effect of sequence changes on RNA splicing suggest that this variant is not likely to affect RNA splicing. In summary, the available evidence is currently insufficient to determine the role of this variant in disease. Therefore, it has been classified as a Variant of Uncertain Significance.

Literature cited by the submitters: PubMed 17576681 (cited by Labcorp Genetics (formerly Invitae), Labcorp); PubMed 9536098 (cited by Labcorp Genetics (formerly Invitae), Labcorp).

NM_000548.5(TSC2):c.2742+5dup

Gene: TSC2 (TSC complex subunit 2; plus strand). Cytogenetic location: 16p13.3.
Variant type: Duplication.
Coding change: c.2742+5dup on transcript NM_000548.5 (MANE Select); 5 bases into the intron after coding-DNA position 2742, one base duplicated (G; older notation c.2742+5dupG).
Molecular consequence: intron variant.
Genome position (GRCh38, 1-based): chr16:2,076,175, G duplicated; the last of 3 consecutive G bases (chr16:2,076,173-2,076,175); duplicating any one gives the same sequence. VCF-style (leftmost placement, unchanged base first): chr16-2076172-T-TG. GRCh37 (hg19) VCF-style: chr16-2126173-T-TG.
Other names: c.2742+5dup (NM_001114382.3, NM_021055.3, NM_001370405.1 and 3 more transcripts); c.2631+5dup (NM_001318827.2); c.2142+5dup (NM_001318831.2); c.2595+5dup (NM_001318829.2); c.2775+5dup (NM_001318832.2).
Identifiers: ClinVar variation 1795450 (VCV001795450.6), dbSNP rs2543913369, ClinGen allele CA2580090871.